The following is an entry in ClinVar:

NM_006517.5(SLC16A2):c.747C>T (p.Leu249=)

Gene: SLC16A2 (solute carrier family 16 member 2; plus strand). Cytogenetic location: Xq13.2.
Variant type: single nucleotide variant.
Coding change: c.747C>T on transcript NM_006517.5 (MANE Select); coding-DNA position 747, C replaced by T.
Protein change: p.Leu249=; no amino-acid change (leucine 249 retained).
Molecular consequence: synonymous variant.
Genome position (GRCh38, 1-based): chrX:74,524,530, C>T. VCF-style: chrX-74524530-C-T. GRCh37 (hg19) VCF-style: chrX-73744365-C-T.
Identifiers: ClinVar variation 4855389 (VCV004855389.1).

ClinVar aggregate classification (germline): Uncertain significance (1 of 4 stars; one submission).

Conditions:
Allan-Herndon-Dudley syndrome (AHDS). Also called: MENTAL RETARDATION AND MUSCULAR ATROPHY; T3 RESISTANCE; TRIIODOTHYRONINE RESISTANCE; ALLAN-HERNDON SYNDROME; Passos-Bueno syndrome. Identifiers: Orphanet 59, MedGen C0795889, MONDO:0010354, OMIM 300523.

Submission:

3billion
Classification: Uncertain significance for Allan-Herndon-Dudley syndrome. Last evaluated: 2026-01-07. Review status: criteria provided, single submitter. Criteria: ACMG Guidelines, 2015. Collection method: clinical testing. Allele origin: germline. Affected: yes.
Comment: The variant is not observed in the gnomAD v4.1.0 dataset. Predicted Consequence/Location: Synonymous variant Therefore, this variant is classified as VUS according to the recommendation of ACMG/AMP guideline.